The following is an entry in ClinVar:

ClinVar aggregate classification (germline): Likely benign (1 of 4 stars; one submission).

Submission:

GeneDx
Classification: Likely benign. Last evaluated: 2018-06-19. Review status: criteria provided, single submitter. Criteria: GeneDx Variant Classification (06012015). Collection method: clinical testing. Allele origin: germline. Affected: yes.
Comment: This variant is considered likely benign or benign based on one or more of the following criteria: it is a conservative change, it occurs at a poorly conserved position in the protein, it is predicted to be benign by multiple in silico algorithms, and/or has population frequency not consistent with disease.

NM_000153.4(GALC):c.1161+248del

Gene: GALC (galactosylceramidase; minus strand). Cytogenetic location: 14q31.3.
Variant type: Deletion.
Coding change: c.1161+248del on transcript NM_000153.4 (MANE Select); 248 bases into the intron after coding-DNA position 1161, one base deleted (A; older notation c.1161+248delA).
Molecular consequence: intron variant.
Genome position (GRCh38, 1-based): chr14:87,963,136, T deleted on the plus strand (A on the coding strand, the reverse complement: GALC is on the minus strand); the first of 2 consecutive T bases (chr14:87,963,136-87,963,137); deleting either gives the same sequence. VCF-style (leftmost placement, unchanged base first): chr14-87963135-CT-C. GRCh37 (hg19) VCF-style: chr14-88429479-CT-C.
Other names: c.1083+248del (NM_001201402.2); c.1092+248del (NM_001201401.2).
Identifiers: ClinVar variation 679540 (VCV000679540.1), dbSNP rs143103231, ClinGen allele CA264700959.